The following is an entry in ClinVar:

ClinVar aggregate classification (germline): Pathogenic/Likely pathogenic. Review status: criteria provided, multiple submitters, no conflicts (2 of 4 stars). 5 submissions from 5 submitters: Pathogenic (3); Likely pathogenic (2). Last evaluated 2025-06-29.

Conditions:
Glutaric acidemia type 2C.
Multiple acyl-CoA dehydrogenase deficiency (MADD). Also called: ETHYLMALONIC-ADIPICACIDURIA; GA II; Glutaric aciduria, type 2; Glutaric acidemia type II; GA 2; Glutaric Acidemia type 2. Identifiers: Orphanet 26791, MedGen C0268596, MONDO:0009282, OMIM 231680.
ETFDH-related disorder. Also called: ETFDH-related condition.

Allele frequency attached by ClinVar (database versions not stated): ExAC 0.00001; gnomAD 0.00001; gnomAD exomes 0.00001; TOPMed 0.00001.
gnomAD v4.1: 16 of 1,564,564 alleles (0.001%); highest among the groups gnomAD compares: African/African-American, 0.0014%; no homozygotes.

Submissions (5):

Labcorp Genetics (formerly Invitae), Labcorp
Classification: Pathogenic for Multiple acyl-CoA dehydrogenase deficiency. Last evaluated: 2025-06-29. Review status: criteria provided, single submitter. Criteria: Invitae Variant Classification Sherloc (09022015). Collection method: clinical testing. Allele origin: germline.
Comment: This sequence change affects a donor splice site in intron 12 of the ETFDH gene. RNA analysis indicates that disruption of this splice site induces altered splicing and likely results in a shortened protein product. This variant is present in population databases (rs767238539, gnomAD 0.0009%). Disruption of this splice site has been observed in individuals with multiple acyl-CoA dehydrogenase deficiency (PMID: 7757062, 33473335). ClinVar contains an entry for this variant (Variation ID: 1800479). Algorithms developed to predict the effect of variants on gene product structure and function are not available or were not evaluated for this variant. Experimental studies have shown that disruption of this splice site affects ETFDH function (PMID: 7757062). Variants that disrupt the consensus splice site are a relatively common cause of aberrant splicing (PMID: 17576681, 9536098). Studies have shown that disruption of this splice site results in skipping of exon 12, but is expected to preserve the integrity of the reading-frame (PMID: 7757062). For these reasons, this variant has been classified as Pathogenic.

Natera, Inc.
Classification: Pathogenic for Glutaric acidemia type 2C. Last evaluated: 2025-02-25. Review status: criteria provided, single submitter. Criteria: Natera Variant Classification Schema (03/2026). Collection method: clinical testing. Allele origin: germline.
Comment: The c.1690+2T>G variant in ETFDH is a canonical splice donor site variant predicted to affect pre-mRNA splicing, which may result in an abnormal transcript and altered protein product. This variant is expected to result in nonsense mediated decay, truncation, or a dysfunctional protein product. This variant is rare in the general population with a frequency below the threshold expected for the associated phenotype(s). Another variant at this same site results in an alteration predicted to cause a similar molecular effect has been observed in individual(s) with the associated phenotype. Given the available evidence, this variant is classified as Pathogenic.

Blueprint Genetics
Classification: Likely pathogenic for ETFDH-related disorders. Last evaluated: 2023-08-15. Review status: criteria provided, single submitter. Criteria: ACMG Guidelines, 2015. Collection method: clinical testing. Allele origin: germline. Affected: yes. Observed: 2 variant alleles.

GeneDx
Classification: Likely pathogenic. Last evaluated: 2022-11-21. Review status: criteria provided, single submitter. Criteria: GeneDx Variant Classification Process June 2021. Collection method: clinical testing. Allele origin: germline. Affected: yes.
Comment: Reported with a second ETFDH variant, phase unknown, in a patient with multiple acyl-CoA dehydrogenase deficiency (Elkhateeb et al., 2021); Canonical splice site variant expected to result in aberrant splicing, although in the absence of functional evidence the actual effect of this sequence change is unknown.; Not observed at significant frequency in large population cohorts (gnomAD); This variant is associated with the following publications: (PMID: 33473335, 12359134)

PreventionGenetics, part of Exact Sciences
Classification: Pathogenic for ETFDH-related condition. Last evaluated: 2022-10-13. Review status: criteria provided, single submitter. Criteria: ACMG Guidelines, 2015. Collection method: clinical testing. Allele origin: germline.
Comment: The ETFDH c.1690+2T>G variant is predicted to disrupt the GT donor site and interfere with normal splicing. This variant was reported along with a known pathogenic ETFDH variant in an individual with multiple acyl-CoA dehydrogenase deficiency (MADD) (Elkhateeb et al. 2021. PubMed ID: 33473335). This variant is reported in 0.00088% of alleles in individuals of European (Non-Finnish) descent in gnomAD. Variants that disrupt consensus splice donor sites in ETFDH are expected to be pathogenic. Taken together, this variant is interpreted as pathogenic.

Literature cited by the submitters: PubMed 7757062 (cited by Labcorp Genetics (formerly Invitae), Labcorp); PubMed 33473335 (cited by Labcorp Genetics (formerly Invitae), Labcorp); PubMed 17576681 (cited by Labcorp Genetics (formerly Invitae), Labcorp); PubMed 9536098 (cited by Labcorp Genetics (formerly Invitae), Labcorp).

NM_004453.4(ETFDH):c.1690+2T>G

Gene: ETFDH (electron transfer flavoprotein dehydrogenase; plus strand). Cytogenetic location: 4q32.1.
Variant type: single nucleotide variant.
Coding change: c.1690+2T>G on transcript NM_004453.4 (MANE Select); the canonical splice donor site of the intron after coding-DNA position 1690, T replaced by G.
Molecular consequence: splice donor variant.
Genome position (GRCh38, 1-based): chr4:158,706,852, T>G. VCF-style: chr4-158706852-T-G. GRCh37 (hg19) VCF-style: chr4-159628004-T-G.
Other names: c.1549+2T>G (NM_001281737.2); c.1507+2T>G (NM_001281738.1); c.1690+2T>G (NM_004453.3).
Identifiers: ClinVar variation 1800479 (VCV001800479.9), dbSNP rs767238539, ClinGen allele CA3122689.